The following is an entry in ClinVar:

ClinVar aggregate classification (germline): Benign/Likely benign. Review status: criteria provided, multiple submitters, no conflicts (2 of 4 stars). 14 submissions from 14 submitters: Benign (9); Likely benign (1). 4 of the submissions do not count toward it. Last evaluated 2026-02-04.

Conditions:
Miyoshi muscular dystrophy 1 (MMD1). Identifiers: Orphanet 45448, MedGen C4551973, MONDO:0024545, OMIM 254130.
Neuromuscular disease caused by qualitative or quantitative defects of dysferlin. Also called: Dysferlinopathy; Qualitative or quantitative defects of dysferlin. Identifiers: Orphanet 207073, MedGen C2931687, MONDO:0016145.
Autosomal recessive limb-girdle muscular dystrophy type 2B (LGMDR2). Also called: MUSCULAR DYSTROPHY, LIMB-GIRDLE, TYPE 3; Limb-Girdle Muscular Dystrophy Type 2B (LGMD2B); Limb-girdle muscular dystrophy, type 2B; MUSCULAR DYSTROPHY, LIMB-GIRDLE, AUTOSOMAL RECESSIVE 2. Identifiers: Orphanet 268, MedGen C1850889, MONDO:0009676, OMIM 253601.

Allele frequency attached by ClinVar (database versions not stated): 1000 Genomes Project 0.07748; 1000 Genomes Project 30x 0.07792; ExAC 0.07884; gnomAD exomes 0.07924 and 0.08878; gnomAD 0.09642 and 0.09951; TOPMed 0.09722; ESP Exome Variant Server 0.10357.
gnomAD v4.1: 144,559 of 1,613,410 alleles (9%); highest among the groups gnomAD compares: African/African-American, 13%; 6,944 homozygotes.

Submissions (14):

Labcorp Genetics (formerly Invitae), Labcorp
Classification: Benign for Neuromuscular disease caused by qualitative or quantitative defects of dysferlin. Last evaluated: 2026-02-04. Review status: criteria provided, single submitter. Criteria: Invitae Variant Classification Sherloc (09022015). Collection method: clinical testing. Allele origin: germline.

Blueprint Genetics
Classification: Benign. Last evaluated: 2024-11-26. Review status: criteria provided, single submitter. Criteria: ACMG Guidelines, 2015. Collection method: clinical testing. Allele origin: germline.

Genome-Nilou Lab
Classification: Benign for Miyoshi muscular dystrophy 1. Last evaluated: 2021-06-10. Review status: criteria provided, single submitter. Criteria: ACMG Guidelines, 2015. Collection method: clinical testing. Allele origin: germline. Affected: no.

Illumina Laboratory Services, Illumina
Classification: Benign for Qualitative or quantitative defects of dysferlin. Last evaluated: 2018-01-12. Review status: criteria provided, single submitter. Criteria: ICSL Variant Classification Criteria 13 December 2019. Collection method: clinical testing. Allele origin: germline.
Comment: This variant was observed in the ICSL laboratory as part of a predisposition screen in an ostensibly healthy population. It had not been previously curated by ICSL or reported in the Human Gene Mutation Database (HGMD: prior to June 1st, 2018), and was therefore a candidate for classification through an automated scoring system. Utilizing variant allele frequency, disease prevalence and penetrance estimates, and inheritance mode, an automated score was calculated to assess if this variant is too frequent to cause the disease. Based on the score and internal cut-off values, a variant classified as benign is not then subjected to further curation. The score for this variant resulted in a classification of benign for this disease.

Mayo Clinic Laboratories, Mayo Clinic
Classification: Benign. Last evaluated: 2017-10-05. Review status: criteria provided, single submitter. Criteria: ACMG Guidelines, 2015. Collection method: clinical testing. Allele origin: germline. Observed: 195 variant alleles.

GeneDx
Classification: Benign. Last evaluated: 2016-02-10. Review status: criteria provided, single submitter. Criteria: GeneDx Variant Classification (06012015). Collection method: clinical testing. Allele origin: germline. Affected: yes.
Comment: This variant is considered likely benign or benign based on one or more of the following criteria: it is a conservative change, it occurs at a poorly conserved position in the protein, it is predicted to be benign by multiple in silico algorithms, and/or has population frequency not consistent with disease.

Eurofins Ntd Llc (ga)
Classification: Benign. Last evaluated: 2015-04-24. Review status: criteria provided, single submitter. Criteria: EGL Classification Definitions 2015. Collection method: clinical testing. Allele origin: germline. Observed: 25 variant alleles, 23 heterozygotes, 2 homozygotes.

Laboratory for Molecular Medicine, Mass General Brigham Personalized Medicine
Classification: Benign. Last evaluated: 2015-01-13. Review status: criteria provided, single submitter. Criteria: LMM Criteria. Collection method: clinical testing. Allele origin: germline. Observed: 3 variant alleles.
Comment: c.951+4T>C in intron 9 of DYSF: This variant is not expected to have clinical si gnificance because it has been identified in 12.5% (551/4406) of African America n chromosomes from a broad population by the NHLBI Exome Sequencing Project (dbSNP rs11903960).

Breakthrough Genomics
Classification: Likely benign. Review status: criteria provided, single submitter. Criteria: ACMG Guidelines, 2015. Collection method: not provided. Allele origin: germline. Inheritance: Autosomal recessive inheritance. Affected: yes.

PreventionGenetics, part of Exact Sciences
Classification: Benign. Review status: criteria provided, single submitter. Criteria: ACMG Guidelines, 2015. Collection method: clinical testing. Allele origin: germline.

Natera, Inc.
Classification: Benign for Limb-girdle muscular dystrophy type 2B. Last evaluated: 2020-09-16. Review status: no assertion criteria provided. Collection method: clinical testing. Allele origin: germline. Not counted in ClinVar's aggregate classification.

Clinical Genetics, Academic Medical Center
Classification: Benign. Review status: no assertion criteria provided. Collection method: clinical testing. Allele origin: germline. Affected: yes. Study: VKGL Data-share Consensus. Not counted in ClinVar's aggregate classification.

Genetic Services Laboratory, University of Chicago
Classification: Likely benign for AllHighlyPenetrant. Review status: no assertion criteria provided. Collection method: clinical testing. Allele origin: germline. Inheritance: Autosomal recessive inheritance. Not counted in ClinVar's aggregate classification.
Comment: Likely benign based on allele frequency in 1000 Genomes Project or ESP global frequency and its presence in a patient with a rare or unrelated disease phenotype. NOT Sanger confirmed.

Joint Genome Diagnostic Labs from Nijmegen and Maastricht, Radboudumc and MUMC+
Classification: Benign. Review status: no assertion criteria provided. Collection method: clinical testing. Allele origin: germline. Affected: yes. Study: VKGL Data-share Consensus. Not counted in ClinVar's aggregate classification.

NM_001130987.2(DYSF):c.951+4T>C

Gene: DYSF (dysferlin; plus strand). Cytogenetic location: 2p13.2.
Variant type: single nucleotide variant.
Coding change: c.951+4T>C on transcript NM_001130987.2 (MANE Select); 4 bases into the intron after coding-DNA position 951, T replaced by C.
Molecular consequence: intron variant.
Genome position (GRCh38, 1-based): chr2:71,516,246, T>C. VCF-style: chr2-71516246-T-C. GRCh37 (hg19) VCF-style: chr2-71743376-T-C.
Other names: p.?; c.948+4T>C (NM_001130979.2, NM_001130981.2, NM_001130980.2); c.855+4T>C (NM_001130978.2, NM_003494.4, NM_001130977.2 and 1 more transcripts); c.951+4T>C (NM_001130982.2, NM_001130985.2); c.858+4T>C (NM_001130983.2, NM_001130455.2, NM_001130984.2 and 1 more transcripts).
Identifiers: ClinVar variation 94364 (VCV000094364.36), dbSNP rs11903960, ClinGen allele CA147777.